The following is an entry in ClinVar:

ClinVar aggregate classification (germline): Likely benign (1 of 4 stars; one submission).

Conditions:
XDH-related disorder. Also called: XDH-related condition.

gnomAD v4.1: 31 of 1,614,060 alleles (0.0019%); highest among the groups gnomAD compares: Middle Eastern, 0.016%; no homozygotes.

Submission:

PreventionGenetics, part of Exact Sciences
Classification: Likely benign for XDH-related condition. Last evaluated: 2024-11-10. Review status: criteria provided, single submitter. Criteria: ACMG Guidelines, 2015. Collection method: clinical testing. Allele origin: germline.
Comment: This variant is classified as likely benign based on ACMG/AMP sequence variant interpretation guidelines (Richards et al. 2015 PMID: 25741868, with internal and published modifications).

NM_000379.4(XDH):c.3102C>T (p.His1034=)

Gene: XDH (xanthine dehydrogenase; minus strand). Cytogenetic location: 2p23.1.
Variant type: single nucleotide variant.
Coding change: c.3102C>T on transcript NM_000379.4 (MANE Select); coding-DNA position 3102, C replaced by T.
Protein change: p.His1034=; no amino-acid change (histidine 1034 retained).
Molecular consequence: synonymous variant.
Genome position (GRCh38, 1-based): chr2:31,348,313, G>A on the plus strand (C>T on the coding strand, the complement: XDH is on the minus strand). VCF-style: chr2-31348313-G-A. GRCh37 (hg19) VCF-style: chr2-31571179-G-A.
Identifiers: ClinVar variation 4981530 (VCV004981530.1).